The following is an entry in ClinVar:

NM_001256864.2(DNAJC6):c.2410C>T (p.Gln804Ter)

Gene: DNAJC6 (DnaJ heat shock protein family (Hsp40) member C6; plus strand). Cytogenetic location: 1p31.3.
Variant type: single nucleotide variant.
Coding change: c.2410C>T on transcript NM_001256864.2 (MANE Select); coding-DNA position 2410, C replaced by T.
Protein change: p.Gln804Ter; replaces glutamine 804 with a stop codon.
Molecular consequence: nonsense.
Genome position (GRCh38, 1-based): chr1:65,406,052, C>T. VCF-style: chr1-65406052-C-T. GRCh37 (hg19) VCF-style: chr1-65871735-C-T.
Other names: (2200C>T); c.2200C>T, p.Gln734Ter (NM_001256865.2); c.2239C>T, p.Gln747Ter (NM_014787.4); short protein forms Q734*, Q747*, Q804*.
Identifiers: ClinVar variation 88855 (VCV000088855.3), dbSNP rs398122405, ClinGen allele CA145378.

ClinVar aggregate classification (germline): Pathogenic. Review status: no assertion criteria provided (0 of 4 stars). 2 submissions from 2 submitters: Pathogenic (1). 1 of the submissions does not count toward it. Last evaluated 2013-03-01.

Conditions:
Juvenile onset Parkinson disease 19A. Also called: PARK19; DNAJC6 Parkinson Disease. Identifiers: Orphanet 391411, MedGen C3809811, MONDO:0014231, OMIM 615528.

Allele frequency attached by ClinVar (database versions not stated): ExAC 0.00001.

Submissions (2):

OMIM
Classification: Pathogenic for PARKINSON DISEASE 19A, JUVENILE-ONSET. Last evaluated: 2013-03-01. Review status: no assertion criteria provided. Collection method: literature only. Allele origin: germline.

GeneReviews
No classification provided. Condition: Juvenile onset Parkinson disease 19A. Review status: no classification provided. Collection method: literature only. Allele origin: germline. Not counted in ClinVar's aggregate classification.
Comment: Juvenile-onset parkinsonism

Literature cited by the submitters: PubMed 23211418 (cited by OMIM and GeneReviews); PubMed 33983693 (cited by GeneReviews).